The following is an entry in ClinVar:

NM_018942.3(HMX1):c.967G>A (p.Ala323Thr)

Gene: HMX1 (H6 family homeobox 1; minus strand). Cytogenetic location: 4p16.1.
Variant type: single nucleotide variant.
Coding change: c.967G>A on transcript NM_018942.3 (MANE Select); coding-DNA position 967, G replaced by A.
Protein change: p.Ala323Thr; replaces alanine 323 with threonine.
Molecular consequence: missense variant. On other transcripts: intron variant (1).
Genome position (GRCh38, 1-based): chr4:8,867,773, C>T on the plus strand (G>A on the coding strand, the complement: HMX1 is on the minus strand). VCF-style: chr4-8867773-C-T. GRCh37 (hg19) VCF-style: chr4-8869499-C-T.
Other names: c.394+3448G>A (NM_001306142.2); short protein forms A323T.
Identifiers: ClinVar variation 939743 (VCV000939743.7), dbSNP rs1272476337, ClinGen allele CA356277350.
Genomic context (GRCh38, chr4:8,867,773, plus strand): 5'-GCGCCCGCAGAAAGGGCACGGAGGCGGCGGCCGGGAAGGCGGCCAGCGGGTAGGCGAGGG[C>T]CCCGGAGAAGCCGAGCAGCGGTGGGGGCGGCGCGGGCGCGGCGGGCGCCAGCGGGAAGGG-3'
Protein context (NP_061815.2, residues 313-333): PPPPLLGFSG[Ala323Thr]LAYPLAAFPA

ClinVar aggregate classification (germline): Uncertain significance (1 of 4 stars; one submission).

Allele frequency attached by ClinVar (database versions not stated): TOPMed 0.00003; gnomAD exomes 0.00037.
gnomAD v4.1: 24 of 1,272,402 alleles (0.0019%); highest among the groups gnomAD compares: Admixed American, 0.024%; no homozygotes.

Submission:

Labcorp Genetics (formerly Invitae), Labcorp
Classification: Uncertain significance. Last evaluated: 2022-10-24. Review status: criteria provided, single submitter. Criteria: Invitae Variant Classification Sherloc (09022015). Collection method: clinical testing. Allele origin: germline.
Comment: This sequence change replaces alanine, which is neutral and non-polar, with threonine, which is neutral and polar, at codon 323 of the HMX1 protein (p.Ala323Thr). This variant is present in population databases (no rsID available, gnomAD 0.2%). This variant has not been reported in the literature in individuals affected with HMX1-related conditions. ClinVar contains an entry for this variant (Variation ID: 939743). Algorithms developed to predict the effect of missense changes on protein structure and function are either unavailable or do not agree on the potential impact of this missense change (SIFT: "Tolerated"; PolyPhen-2: "Possibly Damaging"; Align-GVGD: "Class C0"). In summary, the available evidence is currently insufficient to determine the role of this variant in disease. Therefore, it has been classified as a Variant of Uncertain Significance.